The following is an entry in ClinVar:

NM_005359.6(SMAD4):c.461C>T (p.Ser154Leu)

Gene: SMAD4 (SMAD family member 4; plus strand). Cytogenetic location: 18q21.2.
Variant type: single nucleotide variant.
Coding change: c.461C>T on transcript NM_005359.6 (MANE Select); coding-DNA position 461, C replaced by T.
Protein change: p.Ser154Leu; replaces serine 154 with leucine.
Molecular consequence: missense variant. On other transcripts: non-coding transcript variant (2).
Genome position (GRCh38, 1-based): chr18:51,054,787, C>T. VCF-style: chr18-51054787-C-T. GRCh37 (hg19) VCF-style: chr18-48581157-C-T.
Other names: c.461C>T, p.Ser154Leu (NM_001407041.1, NM_001407042.1, NM_001407043.1); short protein forms S154L.
Identifiers: ClinVar variation 3637565 (VCV003637565.3).

ClinVar aggregate classification (germline): Uncertain significance. Review status: criteria provided, multiple submitters, no conflicts (2 of 4 stars). 2 submissions from 2 submitters: Uncertain significance (2). Last evaluated 2025-10-27.

Conditions:
Familial thoracic aortic aneurysm and aortic dissection (TAAD). Also called: Thoracic aortic aneurysms and dissections. Identifiers: Orphanet 91387, MedGen C4707243, MONDO:0019625.
Hereditary cancer-predisposing syndrome. Also called: Hereditary Cancer Syndrome; Hereditary neoplastic syndrome; Neoplastic Syndromes, Hereditary; Tumor predisposition. Identifiers: Orphanet 140162, MedGen C0027672, MeSH D009386, MONDO:0015356.
Juvenile polyposis syndrome (JPS). Identifiers: Orphanet 2929, MedGen C0345893, MONDO:0017380, OMIM 174900.

Submissions (2):

Ambry Genetics
Classification: Uncertain significance for Hereditary cancer-predisposing syndrome; Familial thoracic aortic aneurysm and aortic dissection. Last evaluated: 2025-10-27. Review status: criteria provided, single submitter. Criteria: Ambry Variant Classification Scheme 2023. Collection method: clinical testing. Allele origin: germline.
Comment: The p.S154L variant (also known as c.461C>T), located in coding exon 4 of the SMAD4 gene, results from a C to T substitution at nucleotide position 461. The serine at codon 154 is replaced by leucine, an amino acid with dissimilar properties. This amino acid position is conserved. In addition, the in silico prediction for this alteration is inconclusive. Based on the available evidence, the clinical significance of this variant remains unclear.

Labcorp Genetics (formerly Invitae), Labcorp
Classification: Uncertain significance for Juvenile polyposis syndrome. Last evaluated: 2024-11-20. Review status: criteria provided, single submitter. Criteria: Invitae Variant Classification Sherloc (09022015). Collection method: clinical testing. Allele origin: germline.
Comment: This sequence change replaces serine, which is neutral and polar, with leucine, which is neutral and non-polar, at codon 154 of the SMAD4 protein (p.Ser154Leu). This variant is not present in population databases (gnomAD no frequency). This variant has not been reported in the literature in individuals affected with SMAD4-related conditions. Invitae Evidence Modeling of protein sequence and biophysical properties (such as structural, functional, and spatial information, amino acid conservation, physicochemical variation, residue mobility, and thermodynamic stability) indicates that this missense variant is not expected to disrupt SMAD4 protein function with a negative predictive value of 95%. In summary, the available evidence is currently insufficient to determine the role of this variant in disease. Therefore, it has been classified as a Variant of Uncertain Significance.